The following is an entry in ClinVar:

NM_003001.5(SDHC):c.36T>C (p.His12=)

Gene: SDHC (succinate dehydrogenase complex subunit C; plus strand). Cytogenetic location: 1q23.3.
Variant type: single nucleotide variant.
Coding change: c.36T>C on transcript NM_003001.5 (MANE Select); coding-DNA position 36, T replaced by C.
Protein change: p.His12=; no amino-acid change (histidine 12 retained).
Molecular consequence: synonymous variant. On other transcripts: 5 prime UTR variant (2), non-coding transcript variant (1), intron variant (4).
Genome position (GRCh38, 1-based): chr1:161,323,629, T>C. VCF-style: chr1-161323629-T-C. GRCh37 (hg19) VCF-style: chr1-161293419-T-C.
Other names: c.36T>C, p.His12= (NM_001035511.3, NM_001035512.3, NM_001278172.3 and 2 more transcripts); c.-76T>C (NM_001407119.1); c.-194T>C (NM_001407120.1); c.21-4767T>C (NM_001407116.1, NM_001407121.1, NM_001407117.1); c.20+9204T>C (NM_001035513.3).
Identifiers: ClinVar variation 2199767 (VCV002199767.5), dbSNP rs2526332503, ClinGen allele CA421407209.

ClinVar aggregate classification (germline): Benign/Likely benign. Review status: criteria provided, multiple submitters, no conflicts (2 of 4 stars). 2 submissions from 2 submitters: Benign (1); Likely benign (1). Last evaluated 2025-03-14.

Conditions:
Gastrointestinal stromal tumor. Also called: Gastrointestinal stroma tumor; Gastrointestinal stromal tumor, somatic. Identifiers: Orphanet 44890, MedGen C0238198, MeSH D046152, MONDO:0011719, OMIM 606764, HP:0100723.
Pheochromocytoma/paraganglioma syndrome 3. Also called: GLOMUS TUMORS, FAMILIAL, 3; Paragangliomas 3; SDHC-Related Hereditary Paraganglioma-Pheochromocytoma Syndrome (Paragangliomas 3); SDHC-Related Hereditary Paraganglioma-Pheochromocytoma Syndrome. Identifiers: Orphanet 29072, MedGen C1854336, MONDO:0011544, OMIM 605373.

Allele frequency attached by ClinVar (database versions not stated): gnomAD exomes below 0.00001.
gnomAD v4.1: 2 of 1,613,798 alleles (0.00012%); highest among the groups gnomAD compares: Admixed American, 0.0033%; no homozygotes.

Submissions (2):

Myriad Genetics, Inc.
Classification: Benign for Pheochromocytoma/paraganglioma syndrome 3. Last evaluated: 2025-03-14. Review status: criteria provided, single submitter. Criteria: Myriad Autosomal Dominant, Autosomal Recessive and X-Linked Classification Criteria (2023). Collection method: clinical testing. Allele origin: unknown.
Comment: This variant is considered benign. This variant is a silent/synonymous amino acid change and it is not expected to impact splicing.

Labcorp Genetics (formerly Invitae), Labcorp
Classification: Likely benign for Pheochromocytoma/paraganglioma syndrome 3; Gastrointestinal stromal tumor. Last evaluated: 2023-06-25. Review status: criteria provided, single submitter. Criteria: Invitae Variant Classification Sherloc (09022015). Collection method: clinical testing. Allele origin: germline.